The following is an entry in ClinVar:

NM_001048174.2(MUTYH):c.1163A>T (p.Gln388Leu)

Gene: MUTYH (mutY DNA glycosylase; minus strand). Cytogenetic location: 1p34.1.
Variant type: single nucleotide variant.
Coding change: c.1163A>T on transcript NM_001048174.2 (MANE Select); coding-DNA position 1163, A replaced by T.
Protein change: p.Gln388Leu; replaces glutamine 388 with leucine.
Molecular consequence: missense variant. On other transcripts: non-coding transcript variant (7).
Genome position (GRCh38, 1-based): chr1:45,331,496, T>A on the plus strand (A>T on the coding strand, the complement: MUTYH is on the minus strand). VCF-style: chr1-45331496-T-A. GRCh37 (hg19) VCF-style: chr1-45797168-T-A.
Other names: c.1196A>T, p.Gln399Leu (NM_001407077.1, NM_001407069.1, NM_001293191.2); c.1166A>T, p.Gln389Leu (NM_001407078.1, NM_001407086.1, NM_001407071.1 and 1 more transcripts); c.1124A>T, p.Gln375Leu (NM_001407079.1); c.1121A>T, p.Gln374Leu (NM_001407080.1); c.1163A>T, p.Gln388Leu (NM_001407081.1, NM_001293195.2, NM_001407070.1 and 6 more transcripts); c.818A>T, p.Gln273Leu (NM_001407082.1, NM_001350650.2, NM_001350651.2); c.1205A>T, p.Gln402Leu (NM_001407083.1, NM_001407085.1); c.887A>T, p.Gln296Leu (NM_001293196.2, NM_001293192.2, NM_001407091.1); and 5 more; short protein forms Q273L, Q374L, Q402L, Q413L, Q416L, Q296L, Q375L, Q395L.
Identifiers: ClinVar variation 4113127 (VCV004113127.1).

ClinVar aggregate classification (germline): Uncertain significance (1 of 4 stars; one submission).

Conditions:
Hereditary cancer-predisposing syndrome. Also called: Tumor predisposition; Neoplastic Syndromes, Hereditary; Hereditary neoplastic syndrome; Hereditary Cancer Syndrome. Identifiers: Orphanet 140162, MedGen C0027672, MeSH D009386, MONDO:0015356.

Submission:

Ambry Genetics
Classification: Uncertain significance for Hereditary cancer-predisposing syndrome. Last evaluated: 2025-08-27. Review status: criteria provided, single submitter. Criteria: Ambry Variant Classification Scheme 2023. Collection method: clinical testing. Allele origin: germline.
Comment: The p.Q416L variant (also known as c.1247A>T), located in coding exon 13 of the MUTYH gene, results from an A to T substitution at nucleotide position 1247. The glutamine at codon 416 is replaced by leucine, an amino acid with dissimilar properties. This amino acid position is conserved. In addition, the in silico prediction for this alteration is inconclusive. Based on the available evidence, the clinical significance of this variant remains unclear.